The following is an entry in ClinVar:

NM_000179.3(MSH6):c.419G>C (p.Arg140Thr)

Gene: MSH6 (mutS homolog 6; plus strand). Cytogenetic location: 2p16.3.
Variant type: single nucleotide variant.
Coding change: c.419G>C on transcript NM_000179.3 (MANE Select); coding-DNA position 419, G replaced by C.
Protein change: p.Arg140Thr; replaces arginine 140 with threonine.
Molecular consequence: missense variant. On other transcripts: 5 prime UTR variant (2), intron variant (1).
Genome position (GRCh38, 1-based): chr2:47,791,085, G>C. VCF-style: chr2-47791085-G-C. GRCh37 (hg19) VCF-style: chr2-48018224-G-C.
Other names: c.-318G>C (NM_001281493.2); c.-484G>C (NM_001281494.2); c.238-7526G>C (NM_001281492.2); short protein forms R140T.
Identifiers: ClinVar variation 824666 (VCV000824666.5), dbSNP rs876661293, ClinGen allele CA346737131.
Genomic context (GRCh38, chr2:47,791,085, plus strand): 5'-TCCGCGAGAAAGGGAAATCAGTCCGTGTTCATGTACAGTTTTTTGATGACAGCCCAACAA[G>C]GGGCTGGGTTAGCAAAAGGCTTTTAAAGCCATATACAGGTAAGAGTCACTACTGCCATGT-3'
Protein context (NP_000170.1, residues 130-150): HVQFFDDSPT[Arg140Thr]GWVSKRLLKP

ClinVar aggregate classification (germline): Uncertain significance. Review status: criteria provided, multiple submitters, no conflicts (2 of 4 stars). 2 submissions from 2 submitters: Uncertain significance (2). Last evaluated 2025-07-13.

Conditions:
Hereditary nonpolyposis colorectal neoplasms. Identifiers: MedGen C0009405, MeSH D003123.
Hereditary cancer-predisposing syndrome. Also called: Neoplastic Syndromes, Hereditary; Tumor predisposition; Hereditary neoplastic syndrome; Hereditary Cancer Syndrome. Identifiers: Orphanet 140162, MedGen C0027672, MeSH D009386, MONDO:0015356.

Submissions (2):

Labcorp Genetics (formerly Invitae), Labcorp
Classification: Uncertain significance for Hereditary nonpolyposis colorectal neoplasms. Last evaluated: 2025-07-13. Review status: criteria provided, single submitter. Criteria: Invitae Variant Classification Sherloc (09022015). Collection method: clinical testing. Allele origin: germline.
Comment: This sequence change replaces arginine, which is basic and polar, with threonine, which is neutral and polar, at codon 140 of the MSH6 protein (p.Arg140Thr). This variant is not present in population databases (gnomAD no frequency). This variant has not been reported in the literature in individuals affected with MSH6-related conditions. ClinVar contains an entry for this variant (Variation ID: 824666). Invitae Evidence Modeling of protein sequence and biophysical properties (such as structural, functional, and spatial information, amino acid conservation, physicochemical variation, residue mobility, and thermodynamic stability) indicates that this missense variant is not expected to disrupt MSH6 protein function with a negative predictive value of 95%. In summary, the available evidence is currently insufficient to determine the role of this variant in disease. Therefore, it has been classified as a Variant of Uncertain Significance.

Ambry Genetics
Classification: Uncertain significance for Hereditary cancer-predisposing syndrome. Last evaluated: 2018-10-26. Review status: criteria provided, single submitter. Criteria: Ambry Variant Classification Scheme 2023. Collection method: clinical testing. Allele origin: germline.
Comment: The p.R140T variant (also known as c.419G>C), located in coding exon 2 of the MSH6 gene, results from a G to C substitution at nucleotide position 419. The arginine at codon 140 is replaced by threonine, an amino acid with similar properties. This amino acid position is highly conserved in available vertebrate species. In addition, this alteration is predicted to be deleterious by in silico analysis. In addition, the CoDP in silico tool predicts this alteration to have minor impact on molecular function, with a score of 0.099 (Terui H et al. J. Biomed. Sci. 2013 Apr;20:25). Since supporting evidence is limited at this time, the clinical significance of this alteration remains unclear.